The following is an entry in ClinVar:

NM_001080442.3(SLC38A8):c.190-8C>T

Gene: SLC38A8 (solute carrier family 38 member 8; minus strand). Cytogenetic location: 16q23.3.
Variant type: single nucleotide variant.
Coding change: c.190-8C>T on transcript NM_001080442.3 (MANE Select); 8 bases into the intron before coding-DNA position 190, C replaced by T.
Molecular consequence: intron variant.
Genome position (GRCh38, 1-based): chr16:84,036,908, G>A on the plus strand (C>T on the coding strand, the complement: SLC38A8 is on the minus strand). VCF-style: chr16-84036908-G-A. GRCh37 (hg19) VCF-style: chr16-84070513-G-A.
Identifiers: ClinVar variation 777022 (VCV000777022.34), dbSNP rs1876961, ClinGen allele CA8200453.
Genomic context (GRCh38, chr16:84,036,908, plus strand): 5'-GCAGCAGCATAGCCCAGGATGACCAGCCCGCTGATCAGGAAGACCAACGAGACCTGCGGA[G>A]AAGGAGCAGGACCTGGAACTGGGGTGTGCCCACAGCCCACCCACCCCCAGCCAGCCACCC-3'

ClinVar aggregate classification (germline): Benign/Likely benign. Review status: criteria provided, multiple submitters, no conflicts (2 of 4 stars). 4 submissions from 4 submitters: Benign (2); Likely benign (2). Last evaluated 2026-09-01.

Conditions:
Foveal hypoplasia - optic nerve decussation defect - anterior segment dysgenesis syndrome. Also called: FOVEAL HYPOPLASIA 2 WITH OPTIC NERVE DECUSSATION DEFECTS AND ANTERIOR SEGMENT DYSGENESIS WITHOUT ALBINISM; FOVEAL HYPOPLASIA 2 WITH OR WITHOUT OPTIC NERVE MISROUTING AND/OR ANTERIOR SEGMENT DYSGENESIS; FOVEAL HYPOPLASIA 2 WITH OR WITHOUT MICROPHTHALMIA OR COLOBOMA; Foveal hypoplasia 2. Identifiers: Orphanet 397618, MedGen C3807873, MONDO:0012216, OMIM 609218.

Allele frequency attached by ClinVar (database versions not stated): 1000 Genomes Project 30x 0.00328; 1000 Genomes Project 0.00359; gnomAD 0.00703 and 0.00719; TOPMed 0.00738; gnomAD exomes 0.00803 and 0.00926; ExAC 0.00826; ESP Exome Variant Server 0.00862.
gnomAD v4.1: 14,529 of 1,606,100 alleles (0.9%); highest among the groups gnomAD compares: Middle Eastern, 1.9%; 99 homozygotes.

Submissions (4):

CeGaT Center for Human Genetics Tuebingen
Classification: Likely benign. Last evaluated: 2026-09-01. Review status: criteria provided, single submitter. Criteria: CeGaT Center For Human Genetics Tuebingen Variant Classification Criteria Version 2. Collection method: clinical testing. Allele origin: germline. Affected: yes. Observed: 4 variant alleles.
Comment: SLC38A8: BP4, BS2

Labcorp Genetics (formerly Invitae), Labcorp
Classification: Benign. Last evaluated: 2026-02-02. Review status: criteria provided, single submitter. Criteria: Invitae Variant Classification Sherloc (09022015). Collection method: clinical testing. Allele origin: germline.

Fulgent Genetics
Classification: Likely benign for Foveal hypoplasia - optic nerve decussation defect - anterior segment dysgenesis syndrome. Last evaluated: 2021-12-09. Review status: criteria provided, single submitter. Criteria: ACMG Guidelines, 2015. Collection method: clinical testing. Allele origin: unknown.

Breakthrough Genomics
Classification: Benign. Review status: criteria provided, single submitter. Criteria: ACMG Guidelines, 2015. Collection method: not provided. Allele origin: germline. Inheritance: Autosomal recessive inheritance. Affected: yes.